The following is an entry in ClinVar:

ClinVar aggregate classification (germline): Uncertain significance. Review status: criteria provided, multiple submitters, no conflicts (2 of 4 stars). 2 submissions from 2 submitters: Uncertain significance (2). Last evaluated 2024-05-30.

Conditions:
Inborn genetic diseases. Identifiers: MedGen C0950123, MeSH D030342.

gnomAD v4.1: 1 of 1,613,978 alleles (0.000062%); no homozygotes.

Submissions (2):

Ambry Genetics
Classification: Uncertain significance for Inborn genetic diseases. Last evaluated: 2024-05-30. Review status: criteria provided, single submitter. Criteria: Ambry Variant Classification Scheme 2023. Collection method: clinical testing. Allele origin: germline.

Labcorp Genetics (formerly Invitae), Labcorp
Classification: Uncertain significance. Last evaluated: 2022-07-17. Review status: criteria provided, single submitter. Criteria: Invitae Variant Classification Sherloc (09022015). Collection method: clinical testing. Allele origin: germline.
Comment: This variant is not present in population databases (gnomAD no frequency). In summary, the available evidence is currently insufficient to determine the role of this variant in disease. Therefore, it has been classified as a Variant of Uncertain Significance. Algorithms developed to predict the effect of missense changes on protein structure and function (SIFT, PolyPhen-2, Align-GVGD) all suggest that this variant is likely to be tolerated. This variant has not been reported in the literature in individuals affected with ASPM-related conditions. This sequence change replaces glutamine, which is neutral and polar, with leucine, which is neutral and non-polar, at codon 310 of the ASPM protein (p.Gln310Leu).

NM_018136.5(ASPM):c.929A>T (p.Gln310Leu)

Gene: ASPM (assembly factor for spindle microtubules; minus strand). Cytogenetic location: 1q31.3.
Variant type: single nucleotide variant.
Coding change: c.929A>T on transcript NM_018136.5 (MANE Select); coding-DNA position 929, A replaced by T.
Protein change: p.Gln310Leu; replaces glutamine 310 with leucine.
Molecular consequence: missense variant.
Genome position (GRCh38, 1-based): chr1:197,143,323, T>A on the plus strand (A>T on the coding strand, the complement: ASPM is on the minus strand). VCF-style: chr1-197143323-T-A. GRCh37 (hg19) VCF-style: chr1-197112453-T-A.
Other names: c.929A>T (NM_018136.4); c.929A>T, p.Gln310Leu (NM_001206846.2); short protein forms Q310L.
Identifiers: ClinVar variation 1902216 (VCV001902216.6), dbSNP rs2527404822, ClinGen allele CA344018402.
Genomic context (GRCh38, chr1:197,143,323, plus strand): 5'-TTATTAGCTCCATGACTATTATTTACAAAAGAATCTGGACTTAGAAAATGTATTTGGCTT[T>A]GTGTAATGTTCAAAGTTGAAGAACAGTTGGGGGTAAGACTAAGTTTACTATTCTCTCCTC-3'
Protein context (NP_060606.3, residues 300-320): PNCSSTLNIT[Gln310Leu]SQIHFLSPDS